The following is an entry in ClinVar:

ClinVar aggregate classification (germline): Likely pathogenic (1 of 4 stars; one submission).

Conditions:
Juvenile polyposis syndrome (JPS). Identifiers: Orphanet 2929, MedGen C0345893, MONDO:0017380, OMIM 174900.

Submission:

Sfax Medical Genetics Laboratory, Laboratoire Ksentini
Classification: Likely pathogenic for Juvenile polyposis syndrome. Review status: criteria provided, single submitter. Criteria: ACMG Guidelines, 2015. Collection method: clinical testing. Allele origin: unknown. Inheritance: Autosomal dominant inheritance. Affected: yes. Observed: 1 heterozygote.
Comment: NM_004329.3:c.1409T>A, p.(M470K) is a missense variant in exon 12 of the BMPR1A gene, resulting in the substitution of methionine by lysine at codon 470. This variant is absent in gnomAD (PM2). Pathogenicity prediction algorithms report this variant as deleterious (REVEL: 0.84) (PP3_moderate). This variant leads to an amino acid change at the same position as other known pathogenic missense variants (BMPR1A:c.1409T>G, p.Met470Arg ClinVar VCV001771973.2; BMPR1A:c.1409T>C, p.Met470Thr ClinVar VCV000008236.18) (PM5). Phenotype observed is specific and consistent with the disorder associated with the BMPR1A gene (PP4).In summary, this variant meets criteria to be classified as likely pathogenic : PM2, PP3_moderate, PM5, PP4

NM_004329.3(BMPR1A):c.1409T>A (p.Met470Lys)

Gene: BMPR1A (bone morphogenetic protein receptor type 1A; plus strand). Cytogenetic location: 10q23.2.
Variant type: single nucleotide variant.
Coding change: c.1409T>A on transcript NM_004329.3 (MANE Select); coding-DNA position 1409, T replaced by A.
Protein change: p.Met470Lys; replaces methionine 470 with lysine.
Molecular consequence: missense variant. On other transcripts: non-coding transcript variant (3).
Genome position (GRCh38, 1-based): chr10:86,923,442, T>A. VCF-style: chr10-86923442-T-A. GRCh37 (hg19) VCF-style: chr10-88683199-T-A.
Other names: c.1409T>A, p.Met470Lys (NM_001406577.1, NM_001406578.1, NM_001406579.1 and 19 more transcripts); c.1403T>A, p.Met468Lys (NM_001406583.1); c.1325T>A, p.Met442Lys (NM_001406584.1, NM_001406585.1, NM_001406586.1 and 2 more transcripts); c.1067T>A, p.Met356Lys (NM_001406589.1); c.1484T>A, p.Met495Lys (NM_001406559.1); c.1457T>A, p.Met486Lys (NM_001406560.1); short protein forms M356K, M442K, M468K, M470K, M486K, M495K.
Identifiers: ClinVar variation 4277297 (VCV004277297.1).